The following is an entry in ClinVar:

NM_003640.5(ELP1):c.1645T>C (p.Ser549Pro)

Gene: ELP1 (elongator acetyltransferase complex subunit 1; minus strand). Cytogenetic location: 9q31.3.
Variant type: single nucleotide variant.
Coding change: c.1645T>C on transcript NM_003640.5 (MANE Select); coding-DNA position 1645, T replaced by C.
Protein change: p.Ser549Pro; replaces serine 549 with proline.
Molecular consequence: missense variant.
Genome position (GRCh38, 1-based): chr9:108,903,668, A>G on the plus strand (T>C on the coding strand, the complement: ELP1 is on the minus strand). VCF-style: chr9-108903668-A-G. GRCh37 (hg19) VCF-style: chr9-111665948-A-G.
Other names: c.1303T>C, p.Ser435Pro (NM_001318360.2); c.598T>C, p.Ser200Pro (NM_001330749.2); short protein forms S200P, S549P, S435P.
Identifiers: ClinVar variation 2199780 (VCV002199780.4), dbSNP rs895668701, ClinGen allele CA197538866.

ClinVar aggregate classification (germline): Uncertain significance. Review status: criteria provided, multiple submitters, no conflicts (2 of 4 stars). 2 submissions from 2 submitters: Uncertain significance (2). Last evaluated 2024-02-24.

Conditions:
Medulloblastoma (MDB). Also called: MEDULLOBLASTOMA PREDISPOSITION SYNDROME; Medulloblastoma, somatic. Identifiers: Orphanet 616, MedGen C0025149, MeSH D008527, MONDO:0007959, OMIM 155255, HP:0002885.
Familial dysautonomia. Also called: HSAN III; FD. Identifiers: Orphanet 1764, MedGen C0013364, MONDO:0009131, OMIM 223900. Disease mechanism: loss of function.

Submissions (2):

Fulgent Genetics
Classification: Uncertain significance for Medulloblastoma; Familial dysautonomia. Last evaluated: 2024-02-24. Review status: criteria provided, single submitter. Criteria: ACMG Guidelines, 2015. Collection method: clinical testing. Allele origin: germline.

Labcorp Genetics (formerly Invitae), Labcorp
Classification: Uncertain significance. Last evaluated: 2024-02-05. Review status: criteria provided, single submitter. Criteria: Invitae Variant Classification Sherloc (09022015). Collection method: clinical testing. Allele origin: germline.
Comment: This sequence change replaces serine, which is neutral and polar, with proline, which is neutral and non-polar, at codon 549 of the ELP1 protein (p.Ser549Pro). This variant is not present in population databases (gnomAD no frequency). This variant has not been reported in the literature in individuals affected with ELP1-related conditions. ClinVar contains an entry for this variant (Variation ID: 2199780). An algorithm developed to predict the effect of missense changes on protein structure and function (PolyPhen-2) suggests that this variant is likely to be disruptive. In summary, the available evidence is currently insufficient to determine the role of this variant in disease. Therefore, it has been classified as a Variant of Uncertain Significance.